The following is an entry in ClinVar:

NM_000051.4(ATM):c.5177G>T (p.Cys1726Phe)

Gene: ATM (ATM serine/threonine kinase; plus strand). Cytogenetic location: 11q22.3.
Variant type: single nucleotide variant.
Coding change: c.5177G>T on transcript NM_000051.4 (MANE Select); coding-DNA position 5177, G replaced by T.
Protein change: p.Cys1726Phe; replaces cysteine 1726 with phenylalanine.
Molecular consequence: missense variant.
Genome position (GRCh38, 1-based): chr11:108,299,885, G>T. VCF-style: chr11-108299885-G-T. GRCh37 (hg19) VCF-style: chr11-108170612-G-T.
Other names: c.5177G>T, p.Cys1726Phe (NM_001351834.2); short protein forms C1726F.
Identifiers: ClinVar variation 951405 (VCV000951405.9), dbSNP rs2083338412, ClinGen allele CA382541251.

ClinVar aggregate classification (germline): Uncertain significance (1 of 4 stars; one submission).

Conditions:
Ataxia-telangiectasia syndrome (AT). Also called: LOUIS-BAR SYNDROME; Ataxia telangiectasia (A-T); Cerebello-oculocutaneous telangiectasia; Immunodeficiency with ataxia telangiectasia; ATAXIA-TELANGIECTASIA, COMPLEMENTATION GROUP A; ATAXIA-TELANGIECTASIA, FRESNO VARIANT. Identifiers: Orphanet 100, MedGen C0004135, MONDO:0008840, OMIM 208900.

Submission:

Labcorp Genetics (formerly Invitae), Labcorp
Classification: Uncertain significance for Ataxia-telangiectasia syndrome. Last evaluated: 2019-06-28. Review status: criteria provided, single submitter. Criteria: Invitae Variant Classification Sherloc (09022015). Collection method: clinical testing. Allele origin: germline.
Comment: In summary, the available evidence is currently insufficient to determine the role of this variant in disease. Therefore, it has been classified as a Variant of Uncertain Significance. Nucleotide substitutions within the consensus splice site are a relatively common cause of aberrant splicing (PMID: 17576681, 9536098). Algorithms developed to predict the effect of sequence changes on RNA splicing suggest that this variant may disrupt the consensus splice site, but this prediction has not been confirmed by published transcriptional studies. Algorithms developed to predict the effect of missense changes on protein structure and function (SIFT, PolyPhen-2, Align-GVGD) all suggest that this variant is likely to be tolerated, but these predictions have not been confirmed by published functional studies and their clinical significance is uncertain. This variant has not been reported in the literature in individuals with ATM-related conditions. This variant is not present in population databases (ExAC no frequency). This sequence change replaces cysteine with phenylalanine at codon 1726 of the ATM protein (p.Cys1726Phe). The cysteine residue is moderately conserved and there is a large physicochemical difference between cysteine and phenylalanine. This variant also falls at the last nucleotide of exon 34 of the ATM coding sequence, which is part of the consensus splice site for this exon.

Literature cited by the submitters: PubMed 17576681; PubMed 9536098.